The following is an entry in ClinVar:

ClinVar aggregate classification (germline): Uncertain significance. Review status: criteria provided, multiple submitters, no conflicts (2 of 4 stars). 3 submissions from 3 submitters: Uncertain significance (3). Last evaluated 2024-03-19.

Conditions:
Hereditary cancer-predisposing syndrome. Also called: Neoplastic Syndromes, Hereditary; Tumor predisposition; Hereditary Cancer Syndrome; Hereditary neoplastic syndrome. Identifiers: Orphanet 140162, MedGen C0027672, MeSH D009386, MONDO:0015356.
Ataxia-telangiectasia-like disorder (ATLD). Identifiers: MedGen C1858391, MONDO:0011457.

Allele frequency attached by ClinVar (database versions not stated): gnomAD below 0.00001 and 0.00001; gnomAD exomes below 0.00001 and 0.00001; ExAC 0.00001.
gnomAD v4.1: 7 of 1,612,948 alleles (0.00043%); highest among the groups gnomAD compares: South Asian, 0.0077%; no homozygotes.

Submissions (3):

Ambry Genetics
Classification: Uncertain significance for Hereditary cancer-predisposing syndrome. Last evaluated: 2024-03-19. Review status: criteria provided, single submitter. Criteria: Ambry Variant Classification Scheme 2023. Collection method: clinical testing. Allele origin: germline.
Comment: The p.V635G variant (also known as c.1904T>G), located in coding exon 16 of the MRE11A gene, results from a T to G substitution at nucleotide position 1904. The valine at codon 635 is replaced by glycine, an amino acid with dissimilar properties. This amino acid position is poorly conserved in available vertebrate species. In addition, this alteration is predicted to be tolerated by in silico analysis. Since supporting evidence is limited at this time, the clinical significance of this alteration remains unclear.

Athena Diagnostics
Classification: Uncertain significance. Last evaluated: 2023-05-02. Review status: criteria provided, single submitter. Criteria: Athena Diagnostics Criteria. Collection method: clinical testing. Allele origin: unknown.
Comment: Available data are insufficient to determine the clinical significance of the variant at this time. The frequency of this variant in the general population is uninformative in assessment of its pathogenicity. Computational tools predict that this variant is not damaging.

Labcorp Genetics (formerly Invitae), Labcorp
Classification: Uncertain significance for Ataxia-telangiectasia-like disorder. Last evaluated: 2022-03-29. Review status: criteria provided, single submitter. Criteria: Invitae Variant Classification Sherloc (09022015). Collection method: clinical testing. Allele origin: germline.
Comment: This sequence change replaces valine, which is neutral and non-polar, with glycine, which is neutral and non-polar, at codon 635 of the MRE11 protein (p.Val635Gly). This variant is present in population databases (rs780850078, gnomAD 0.007%). This variant has not been reported in the literature in individuals affected with MRE11-related conditions. ClinVar contains an entry for this variant (Variation ID: 483640). Algorithms developed to predict the effect of missense changes on protein structure and function (SIFT, PolyPhen-2, Align-GVGD) all suggest that this variant is likely to be tolerated. In summary, the available evidence is currently insufficient to determine the role of this variant in disease. Therefore, it has been classified as a Variant of Uncertain Significance.

NM_005591.4(MRE11):c.1904T>G (p.Val635Gly)

Gene: MRE11 (MRE11 double strand break repair nuclease; minus strand). Cytogenetic location: 11q21.
Variant type: single nucleotide variant.
Coding change: c.1904T>G on transcript NM_005591.4 (MANE Select); coding-DNA position 1904, T replaced by G.
Protein change: p.Val635Gly; replaces valine 635 with glycine.
Molecular consequence: missense variant.
Genome position (GRCh38, 1-based): chr11:94,437,199, A>C on the plus strand (T>G on the coding strand, the complement: MRE11 is on the minus strand). VCF-style: chr11-94437199-A-C. GRCh37 (hg19) VCF-style: chr11-94170365-A-C.
Other names: c.1901T>G, p.Val634Gly (NM_001330347.2); c.1820T>G, p.Val607Gly (NM_005590.4); short protein forms V635G, V607G, V634G.
Identifiers: ClinVar variation 483640 (VCV000483640.8), dbSNP rs780850078, ClinGen allele CA6234962.
Genomic context (GRCh38, chr11:94,437,199, plus strand): 5'-AAATTATTAATACACAACCATAAAACTTTTTTTCTTACCTCTGAATAATTCTTAGTAGTG[A>C]CATTTCGGGAAGGCTGCTGTCTTGTAGATTTAAAGGCTAGAATGAAAAAGATGAAATGTG-3'
Protein context (NP_005582.1, residues 625-645): KSTRQQPSRN[Val635Gly]TTKNYSEVIE